The following is an entry in ClinVar:

NM_025243.4(SLC19A3):c.388G>A (p.Val130Met)

Gene: SLC19A3 (solute carrier family 19 member 3; minus strand). Cytogenetic location: 2q36.3.
Variant type: single nucleotide variant.
Coding change: c.388G>A on transcript NM_025243.4 (MANE Select); coding-DNA position 388, G replaced by A.
Protein change: p.Val130Met; replaces valine 130 with methionine.
Molecular consequence: missense variant.
Genome position (GRCh38, 1-based): chr2:227,699,327, C>T on the plus strand (G>A on the coding strand, the complement: SLC19A3 is on the minus strand). VCF-style: chr2-227699327-C-T. GRCh37 (hg19) VCF-style: chr2-228564043-C-T.
Other names: c.388G>A, p.Val130Met (NM_001371411.1, NM_001371412.1); c.376G>A, p.Val126Met (NM_001371413.1, NM_001371414.1); short protein forms V126M, V130M.
Identifiers: ClinVar variation 1008392 (VCV001008392.6), dbSNP rs1247579454, ClinGen allele CA350877323.

ClinVar aggregate classification (germline): Uncertain significance (1 of 4 stars; one submission).

Conditions:
Biotin-responsive basal ganglia disease (BTBGD). Also called: Thiamine Transporter-2 Deficiency; THIAMINE METABOLISM DYSFUNCTION SYNDROME 2 (BIOTIN- AND THIAMINE-RESPONSIVE TYPE); Thiamine metabolism dysfunction syndrome type 2; Thiamine metabolism dysfunction syndrome 2 (biotin- or thiamine-responsive encephalopathy type 2); thiamine-responsive encephalopathy. Identifiers: Orphanet 199348, Orphanet 65284, MedGen C1843807, MONDO:0011841, OMIM 607483.

Allele frequency attached by ClinVar (database versions not stated): gnomAD below 0.00001 and 0.00001; gnomAD exomes 0.00001.
gnomAD v4.1: 9 of 1,614,030 alleles (0.00056%); highest among the groups gnomAD compares: South Asian, 0.0055%; no homozygotes.

Submission:

Labcorp Genetics (formerly Invitae), Labcorp
Classification: Uncertain significance for Biotin-responsive basal ganglia disease. Last evaluated: 2021-08-24. Review status: criteria provided, single submitter. Criteria: Invitae Variant Classification Sherloc (09022015). Collection method: clinical testing. Allele origin: germline.
Comment: This sequence change replaces valine with methionine at codon 130 of the SLC19A3 protein (p.Val130Met). The valine residue is moderately conserved and there is a small physicochemical difference between valine and methionine. This variant is not present in population databases (ExAC no frequency). This variant has not been reported in the literature in individuals affected with SLC19A3-related conditions. Algorithms developed to predict the effect of missense changes on protein structure and function output the following: SIFT: "Tolerated"; PolyPhen-2: "Benign"; Align-GVGD: "Class C0". The methionine amino acid residue is found in multiple mammalian species, which suggests that this missense change does not adversely affect protein function. In summary, the available evidence is currently insufficient to determine the role of this variant in disease. Therefore, it has been classified as a Variant of Uncertain Significance.